The following is an entry in ClinVar:

NM_033343.4(LHX4):c.1022T>C (p.Ile341Thr)

Genes: LHX4-AS1 (LHX4 antisense RNA 1; minus strand), LHX4 (LIM homeobox 4; plus strand), ACBD6 (acyl-CoA binding domain containing 6; minus strand). Cytogenetic location: 1q25.2.
Variant type: single nucleotide variant.
Coding change: c.1022T>C on transcript NM_033343.4 (MANE Select); coding-DNA position 1022, T replaced by C.
Protein change: p.Ile341Thr; replaces isoleucine 341 with threonine.
Molecular consequence: missense variant.
Genome position (GRCh38, 1-based): chr1:180,274,428, T>C. VCF-style: chr1-180274428-T-C. GRCh37 (hg19) VCF-style: chr1-180243563-T-C.
Other names: c.1022T>C (NM_033343.3); short protein forms I341T.
Identifiers: ClinVar variation 1683735 (VCV001683735.9), dbSNP rs372952844, ClinGen allele CA1272069.
Genomic context (GRCh38, chr1:180,274,428, plus strand): 5'-CATCCCACGCTCCTTTGCTCAATGGGCTGGATTACACGGTGGACAGTAATTTGGGCATCA[T>C]TGCGCATGCAGGGCAGGGAGTAAGCCAGACGCTGAGAGCCATGGCTGGGGGACCCACCTC-3'
Protein context (NP_203129.1, residues 331-351): DYTVDSNLGI[Ile341Thr]AHAGQGVSQT

ClinVar aggregate classification (germline): Uncertain significance. Review status: criteria provided, multiple submitters, no conflicts (2 of 4 stars). 4 submissions from 4 submitters: Uncertain significance (4). Last evaluated 2025-11-17.

Conditions:
Inborn genetic diseases. Identifiers: MedGen C0950123, MeSH D030342.
Short stature-pituitary and cerebellar defects-small sella turcica syndrome (CPHD4). Also called: Pituitary hormone deficiency, combined with or without cerebellar defects; Short stature, pituitary and cerebellar defects and small sella turcica. Identifiers: Orphanet 85442, MedGen C2678408, MONDO:0009880, OMIM 262700.

Allele frequency attached by ClinVar (database versions not stated): ExAC 0.00002; gnomAD exomes 0.00003; gnomAD 0.00007 and 0.00009; ESP Exome Variant Server 0.00008; TOPMed 0.00011.
gnomAD v4.1: 56 of 1,614,194 alleles (0.0035%); highest among the groups gnomAD compares: African/African-American, 0.027%; no homozygotes.

Submissions (4):

Labcorp Genetics (formerly Invitae), Labcorp
Classification: Uncertain significance. Last evaluated: 2025-11-17. Review status: criteria provided, single submitter. Criteria: Invitae Variant Classification Sherloc (09022015). Collection method: clinical testing. Allele origin: germline.
Comment: This sequence change replaces isoleucine, which is neutral and non-polar, with threonine, which is neutral and polar, at codon 341 of the LHX4 protein (p.Ile341Thr). This variant is present in population databases (rs372952844, gnomAD 0.01%). This variant has not been reported in the literature in individuals affected with LHX4-related conditions. ClinVar contains an entry for this variant (Variation ID: 1683735). An algorithm developed to predict the effect of missense changes on protein structure and function (PolyPhen-2) suggests that this variant is likely to be tolerated. In summary, the available evidence is currently insufficient to determine the role of this variant in disease. Therefore, it has been classified as a Variant of Uncertain Significance.

Laboratorio de Genetica e Diagnostico Molecular, Hospital Israelita Albert Einstein
Classification: Uncertain significance for Short stature-pituitary and cerebellar defects-small sella turcica syndrome. Last evaluated: 2021-11-06. Review status: criteria provided, single submitter. Criteria: ACMG Guidelines, 2015. Collection method: clinical testing. Allele origin: germline. Affected: yes.
Comment: ACMG classification criteria: PM2, PP2

Ambry Genetics
Classification: Uncertain significance for Inborn genetic diseases. Last evaluated: 2021-08-17. Review status: criteria provided, single submitter. Criteria: Ambry Variant Classification Scheme 2023. Collection method: clinical testing. Allele origin: germline.

Revvity Omics, Revvity
Classification: Uncertain significance for Short stature-pituitary and cerebellar defects-small sella turcica syndrome. Last evaluated: 2019-10-28. Review status: criteria provided, single submitter. Criteria: ACMG Guidelines, 2015. Collection method: clinical testing. Allele origin: germline.